The following is an entry in ClinVar:

ClinVar aggregate classification (germline): Uncertain significance. Review status: criteria provided, multiple submitters, no conflicts (2 of 4 stars). 4 submissions from 4 submitters: Uncertain significance (3). 1 of the submissions does not count toward it. Last evaluated 2025-11-12.

Conditions:
Inborn genetic diseases. Identifiers: MedGen C0950123, MeSH D030342.
SLC26A1-related disorder. Also called: SLC26A1-related condition.
Nephrolithiasis, calcium oxalate. Also called: Calcium oxalate urolithiasis. Identifiers: MedGen C1833683, MONDO:0957318, HP:0008672.

Allele frequency attached by ClinVar (database versions not stated): TOPMed 0.00008; gnomAD 0.00009 and 0.00010; ExAC 0.00017.
gnomAD v4.1: 99 of 1,571,322 alleles (0.0063%); highest among the groups gnomAD compares: Middle Eastern, 0.034%; no homozygotes.

Submissions (4):

Labcorp Genetics (formerly Invitae), Labcorp
Classification: Uncertain significance. Last evaluated: 2025-11-12. Review status: criteria provided, single submitter. Criteria: Invitae Variant Classification Sherloc (09022015). Collection method: clinical testing. Allele origin: germline.
Comment: This sequence change replaces alanine, which is neutral and non-polar, with threonine, which is neutral and polar, at codon 354 of the SLC26A1 protein (p.Ala354Thr). This variant is present in population databases (rs756246013, gnomAD 0.02%). This variant has not been reported in the literature in individuals affected with SLC26A1-related conditions. ClinVar contains an entry for this variant (Variation ID: 958982). Invitae Evidence Modeling of protein sequence and biophysical properties (such as structural, functional, and spatial information, amino acid conservation, physicochemical variation, residue mobility, and thermodynamic stability) indicates that this missense variant is not expected to disrupt SLC26A1 protein function with a negative predictive value of 80%. In summary, the available evidence is currently insufficient to determine the role of this variant in disease. Therefore, it has been classified as a Variant of Uncertain Significance.

Ambry Genetics
Classification: Uncertain significance for Inborn genetic diseases. Last evaluated: 2025-08-14. Review status: criteria provided, single submitter. Criteria: Ambry Variant Classification Scheme 2023. Collection method: clinical testing. Allele origin: germline.

Fulgent Genetics
Classification: Uncertain significance for Nephrolithiasis susceptibility caused by SLC26A1. Last evaluated: 2021-12-16. Review status: criteria provided, single submitter. Criteria: ACMG Guidelines, 2015. Collection method: clinical testing. Allele origin: unknown.

PreventionGenetics, part of Exact Sciences
Classification: Uncertain significance for SLC26A1-related condition. Last evaluated: 2024-03-27. Review status: no assertion criteria provided. Collection method: clinical testing. Allele origin: germline. Not counted in ClinVar's aggregate classification.
Comment: The SLC26A1 c.1060G>A variant is predicted to result in the amino acid substitution p.Ala354Thr. To our knowledge, this variant has not been reported in the literature. This variant is reported in 0.016% of alleles in individuals of African descent in gnomAD. At this time, the clinical significance of this variant is uncertain due to the absence of conclusive functional and genetic evidence.

NM_022042.4(SLC26A1):c.1060G>A (p.Ala354Thr)

Genes: IDUA (alpha-L-iduronidase; plus strand), SLC26A1 (solute carrier family 26 member 1; minus strand). Cytogenetic location: 4p16.3.
Variant type: single nucleotide variant.
Coding change: c.1060G>A on transcript NM_022042.4 (MANE Select); coding-DNA position 1060, G replaced by A.
Protein change: p.Ala354Thr; replaces alanine 354 with threonine.
Molecular consequence: missense variant. On other transcripts: intron variant (2).
Genome position (GRCh38, 1-based): chr4:989,879, C>T on the plus strand (G>A on the coding strand, the complement: SLC26A1 is on the minus strand). VCF-style: chr4-989879-C-T. GRCh37 (hg19) VCF-style: chr4-983667-C-T.
Other names: c.1060G>A (NM_022042.3, NM_213613.2); c.1060G>A, p.Ala354Thr (NM_213613.4); c.576+1249G>A (NM_134425.4); c.299+1930C>T (NM_000203.5); short protein forms A354T.
Identifiers: ClinVar variation 958982 (VCV000958982.15), dbSNP rs756246013, ClinGen allele CA2801476.